The following is an entry in ClinVar:

NM_002524.5(NRAS):c.22G>A (p.Val8Met)

Gene: NRAS (NRAS proto-oncogene, GTPase; minus strand). Cytogenetic location: 1p13.2.
Variant type: single nucleotide variant.
Coding change: c.22G>A on transcript NM_002524.5 (MANE Select); coding-DNA position 22, G replaced by A.
Protein change: p.Val8Met; replaces valine 8 with methionine.
Molecular consequence: missense variant.
Genome position (GRCh38, 1-based): chr1:114,716,139, C>T on the plus strand (G>A on the coding strand, the complement: NRAS is on the minus strand). VCF-style: chr1-114716139-C-T. GRCh37 (hg19) VCF-style: chr1-115258760-C-T.
Other names: short protein forms V8M.
Identifiers: ClinVar variation 1379022 (VCV001379022.8), dbSNP rs2101744314, ClinGen allele CA341742748.
Genomic context (GRCh38, chr1:114,716,139, plus strand): 5'-AGTGGTTCTGGATTAGCTGGATTGTCAGTGCGCTTTTCCCAACACCACCTGCTCCAACCA[C>T]CACCAGTTTGTACTCAGTCATTTCACACCAGCAAGAACCTGTTGGAAACCAGTAATCAGG-3'
Protein context (NP_002515.1, residues 1-18): MTEYKLV[Val8Met]VGAGGVGKSA

ClinVar aggregate classification (germline): Uncertain significance (1 of 4 stars; one submission).

Conditions:
RASopathy. Also called: rasopathies; Noonan spectrum disorder. Identifiers: Orphanet 536391, MedGen C5555857, MONDO:0021060.

Submission:

Labcorp Genetics (formerly Invitae), Labcorp
Classification: Uncertain significance for RASopathy. Last evaluated: 2024-10-22. Review status: criteria provided, single submitter. Criteria: Invitae Variant Classification Sherloc (09022015). Collection method: clinical testing. Allele origin: germline.
Comment: This sequence change replaces valine, which is neutral and non-polar, with methionine, which is neutral and non-polar, at codon 8 of the NRAS protein (p.Val8Met). This variant is not present in population databases (gnomAD no frequency). This variant has not been reported in the literature in individuals affected with NRAS-related conditions. ClinVar contains an entry for this variant (Variation ID: 1379022). Invitae Evidence Modeling of protein sequence and biophysical properties (such as structural, functional, and spatial information, amino acid conservation, physicochemical variation, residue mobility, and thermodynamic stability) indicates that this missense variant is expected to disrupt NRAS protein function with a positive predictive value of 95%. In summary, the available evidence is currently insufficient to determine the role of this variant in disease. Therefore, it has been classified as a Variant of Uncertain Significance.